The following is an entry in ClinVar:

NM_020533.3(MCOLN1):c.1149C>G (p.Tyr383Ter)

Gene: MCOLN1 (mucolipin TRP cation channel 1; plus strand). Cytogenetic location: 19p13.2.
Variant type: single nucleotide variant.
Coding change: c.1149C>G on transcript NM_020533.3 (MANE Select); coding-DNA position 1149, C replaced by G.
Protein change: p.Tyr383Ter; replaces tyrosine 383 with a stop codon.
Molecular consequence: nonsense.
Genome position (GRCh38, 1-based): chr19:7,529,115, C>G. VCF-style: chr19-7529115-C-G. GRCh37 (hg19) VCF-style: chr19-7594001-C-G.
Other names: c.1149C>G (NM_020533.2); short protein forms Y383*.
Identifiers: ClinVar variation 813500 (VCV000813500.2), dbSNP rs376777270, ClinGen allele CA403086643.

ClinVar aggregate classification (germline): Likely pathogenic. Review status: criteria provided, multiple submitters, no conflicts (2 of 4 stars). 2 submissions from 2 submitters: Likely pathogenic (2). Last evaluated 2025-09-17.

Conditions:
Mucolipidosis type IV (ML4). Also called: ML IV. Identifiers: Orphanet 578, MedGen C0238286, MONDO:0009653, OMIM 252650.

Submissions (2):

Natera, Inc.
Classification: Likely pathogenic for Mucolipidosis type IV. Last evaluated: 2025-09-17. Review status: criteria provided, single submitter. Criteria: Natera Variant Classification Schema (03/2026). Collection method: clinical testing. Allele origin: germline.
Comment: The c.1149C>G variant in MCOLN1 is a nonsense variant predicted to introduce a stop codon at amino acid 383. This variant is expected to result in nonsense mediated decay, truncation, or a dysfunctional protein product. This variant is rare in the general population with a frequency below the threshold expected for the associated phenotype(s). Given the available evidence, this variant is classified as Likely Pathogenic.

Baylor Genetics
Classification: Likely pathogenic for Mucolipidosis type IV. Review status: criteria provided, single submitter. Criteria: ACMG Guidelines, 2015. Collection method: clinical testing. Allele origin: germline.